The following is an entry in ClinVar:

ClinVar aggregate classification (germline): Likely benign. Review status: criteria provided, multiple submitters, no conflicts (2 of 4 stars). 5 submissions from 5 submitters: Likely benign (4). 1 of the submissions does not count toward it. Last evaluated 2026-01-11.

Conditions:
GLDC-related disorder. Also called: GLDC-related condition.
Glycine encephalopathy. Also called: Non-ketotic hyperglycinemia; Nonketotic hyperglycinemia. Identifiers: Orphanet 407, MedGen C0751748, MONDO:0011612, HP:0008288.

Allele frequency attached by ClinVar (database versions not stated): gnomAD exomes 0.00007 and 0.00020; ExAC 0.00019; ESP Exome Variant Server 0.00077; 1000 Genomes Project 0.00080; gnomAD 0.00091 and 0.00097; 1000 Genomes Project 30x 0.00094; TOPMed 0.00106.
gnomAD v4.1: 251 of 1,611,986 alleles (0.016%); highest among the groups gnomAD compares: African/African-American, 0.27%; no homozygotes.

Submissions (5):

Labcorp Genetics (formerly Invitae), Labcorp
Classification: Likely benign for Glycine encephalopathy. Last evaluated: 2026-01-11. Review status: criteria provided, single submitter. Criteria: Invitae Variant Classification Sherloc (09022015). Collection method: clinical testing. Allele origin: germline.

PreventionGenetics, part of Exact Sciences
Classification: Likely benign for GLDC-related condition. Last evaluated: 2025-02-26. Review status: criteria provided, single submitter. Criteria: ACMG Guidelines, 2015. Collection method: clinical testing. Allele origin: germline.
Comment: This variant is classified as likely benign based on ACMG/AMP sequence variant interpretation guidelines (Richards et al. 2015 PMID: 25741868, with internal and published modifications).

Women's Health and Genetics/Laboratory Corporation of America, LabCorp
Classification: Likely benign. Last evaluated: 2025-02-19. Review status: criteria provided, single submitter. Criteria: LabCorp Variant Classification Summary - May 2015. Collection method: clinical testing. Allele origin: germline.

Blueprint Genetics
Classification: Likely benign. Last evaluated: 2024-08-05. Review status: criteria provided, single submitter. Criteria: ACMG Guidelines, 2015. Collection method: clinical testing. Allele origin: germline.

Natera, Inc.
Classification: Likely benign for Non-ketotic hyperglycinemia. Last evaluated: 2020-09-16. Review status: no assertion criteria provided. Collection method: clinical testing. Allele origin: germline. Not counted in ClinVar's aggregate classification.

NM_000170.3(GLDC):c.1401+9A>G

Gene: GLDC (glycine decarboxylase; minus strand). Cytogenetic location: 9p24.1.
Variant type: single nucleotide variant.
Coding change: c.1401+9A>G on transcript NM_000170.3 (MANE Select); 9 bases into the intron after coding-DNA position 1401, A replaced by G.
Molecular consequence: intron variant.
Genome position (GRCh38, 1-based): chr9:6,592,842, T>C on the plus strand (A>G on the coding strand, the complement: GLDC is on the minus strand). VCF-style: chr9-6592842-T-C. GRCh37 (hg19) VCF-style: chr9-6592842-T-C.
Identifiers: ClinVar variation 789389 (VCV000789389.15), dbSNP rs75555848, ClinGen allele CA4980738.